The following is an entry in ClinVar:

NM_004247.4(EFTUD2):c.1413T>G (p.Asp471Glu)

Gene: EFTUD2 (elongation factor Tu GTP binding domain containing 2; minus strand). Cytogenetic location: 17q21.31.
Variant type: single nucleotide variant.
Coding change: c.1413T>G on transcript NM_004247.4 (MANE Select); coding-DNA position 1413, T replaced by G.
Protein change: p.Asp471Glu; replaces aspartic acid 471 with glutamic acid.
Molecular consequence: missense variant.
Genome position (GRCh38, 1-based): chr17:44,863,655, A>C on the plus strand (T>G on the coding strand, the complement: EFTUD2 is on the minus strand). VCF-style: chr17-44863655-A-C. GRCh37 (hg19) VCF-style: chr17-42941023-A-C.
Other names: c.1308T>G, p.Asp436Glu (NM_001142605.2); c.1413T>G, p.Asp471Glu (NM_001258353.2); c.1383T>G, p.Asp461Glu (NM_001258354.2); short protein forms D436E, D471E, D461E.
Identifiers: ClinVar variation 2785444 (VCV002785444.3), dbSNP rs144538762, ClinGen allele CA399814386.

ClinVar aggregate classification (germline): Uncertain significance (1 of 4 stars; one submission).

gnomAD v4.1: 1 of 1,613,114 alleles (0.000062%); highest among the groups gnomAD compares: African/African-American, 0.0013%; no homozygotes.

Submission:

Labcorp Genetics (formerly Invitae), Labcorp
Classification: Uncertain significance. Last evaluated: 2025-06-09. Review status: criteria provided, single submitter. Criteria: Invitae Variant Classification Sherloc (09022015). Collection method: clinical testing. Allele origin: germline.
Comment: This sequence change replaces aspartic acid, which is acidic and polar, with glutamic acid, which is acidic and polar, at codon 471 of the EFTUD2 protein (p.Asp471Glu). This variant is not present in population databases (gnomAD no frequency). This variant has not been reported in the literature in individuals affected with EFTUD2-related conditions. ClinVar contains an entry for this variant (Variation ID: 2785444). An algorithm developed to predict the effect of missense changes on protein structure and function (PolyPhen-2) suggests that this variant is likely to be tolerated. In summary, the available evidence is currently insufficient to determine the role of this variant in disease. Therefore, it has been classified as a Variant of Uncertain Significance.